The following is an entry in ClinVar:

NM_024675.4(PALB2):c.3442A>G (p.Thr1148Ala)

Gene: PALB2 (partner and localizer of BRCA2; minus strand). Cytogenetic location: 16p12.2.
Variant type: single nucleotide variant.
Coding change: c.3442A>G on transcript NM_024675.4 (MANE Select); coding-DNA position 3442, A replaced by G.
Protein change: p.Thr1148Ala; replaces threonine 1148 with alanine.
Molecular consequence: missense variant. On other transcripts: 3 prime UTR variant (5).
Genome position (GRCh38, 1-based): chr16:23,603,578, T>C on the plus strand (A>G on the coding strand, the complement: PALB2 is on the minus strand). VCF-style: chr16-23603578-T-C. GRCh37 (hg19) VCF-style: chr16-23614899-T-C.
Other names: c.3382A>G, p.Thr1128Ala (NM_001407296.1); c.3370A>G, p.Thr1124Ala (NM_001407297.1); c.3280A>G, p.Thr1094Ala (NM_001407298.1); c.*77A>G (NM_001407311.1, NM_001407313.1, NM_001407301.1 and 2 more transcripts); c.1654A>G, p.Thr552Ala (NM_001407312.1); c.976A>G, p.Thr326Ala (NM_001407314.1); c.3205A>G, p.Thr1069Ala (NM_001407299.1); c.3163A>G, p.Thr1055Ala (NM_001407300.1); and 3 more; short protein forms T1055A, T1124A, T774A, T1094A, T1069A, T1128A, T1148A, T326A.
Identifiers: ClinVar variation 2761043 (VCV002761043.4), dbSNP rs2142253737, ClinGen allele CA395138132.

ClinVar aggregate classification (germline): Uncertain significance. Review status: criteria provided, multiple submitters, no conflicts (2 of 4 stars). 2 submissions from 2 submitters: Uncertain significance (2). Last evaluated 2026-01-14.

Conditions:
Hereditary cancer-predisposing syndrome. Also called: Tumor predisposition; Hereditary Cancer Syndrome; Hereditary neoplastic syndrome; Neoplastic Syndromes, Hereditary. Identifiers: Orphanet 140162, MedGen C0027672, MeSH D009386, MONDO:0015356.
Familial cancer of breast. Also called: Hereditary breast cancer; BREAST CANCER, FAMILIAL; hereditary breast carcinoma. Identifiers: Orphanet 227535, MedGen C0346153, MONDO:0016419, OMIM 114480. Disease mechanism: loss of function.

Submissions (2):

Ambry Genetics
Classification: Uncertain significance for Hereditary cancer-predisposing syndrome. Last evaluated: 2026-01-14. Review status: criteria provided, single submitter. Criteria: Ambry Variant Classification Scheme 2023. Collection method: clinical testing. Allele origin: germline.

Labcorp Genetics (formerly Invitae), Labcorp
Classification: Uncertain significance for Familial cancer of breast. Last evaluated: 2023-09-17. Review status: criteria provided, single submitter. Criteria: Invitae Variant Classification Sherloc (09022015). Collection method: clinical testing. Allele origin: germline.
Comment: In summary, the available evidence is currently insufficient to determine the role of this variant in disease. Therefore, it has been classified as a Variant of Uncertain Significance. Algorithms developed to predict the effect of missense changes on protein structure and function output the following: SIFT: "Not Available"; PolyPhen-2: "Benign"; Align-GVGD: "Not Available". The alanine amino acid residue is found in multiple mammalian species, which suggests that this missense change does not adversely affect protein function. This variant has not been reported in the literature in individuals affected with PALB2-related conditions. This variant is not present in population databases (gnomAD no frequency). This sequence change replaces threonine, which is neutral and polar, with alanine, which is neutral and non-polar, at codon 1148 of the PALB2 protein (p.Thr1148Ala).